The following is an entry in ClinVar:

NM_014140.4(SMARCAL1):c.270_271del (p.His90fs)

Gene: SMARCAL1 (SNF2 related chromatin remodeling annealing helicase 1; plus strand). Cytogenetic location: 2q35.
Variant type: Microsatellite.
Coding change: c.270_271del on transcript NM_014140.4 (MANE Select); coding-DNA positions 270 to 271, 2 bases deleted (CA; older notation c.270_271delCA).
Protein change: p.His90fs; shifts the reading frame from histidine 90.
Molecular consequence: frameshift variant.
Genome position (GRCh38, 1-based): chr2:216,414,974-216,414,975, CA deleted; deleting any 2 consecutive bases within chr2:216,414,972-216,414,975 gives the same sequence; the c. name uses the placement nearest the transcript's 3' end. VCF-style (leftmost placement, unchanged base first): chr2-216414971-CCA-C. GRCh37 (hg19) VCF-style: chr2-217279694-CCA-C.
Other names: c.270_271del, p.His90fs (NM_001127207.2); c.270_271delCA (NM_014140.3); short protein forms H90fs.
Identifiers: ClinVar variation 642307 (VCV000642307.6), dbSNP rs1574443133, ClinGen allele CA915941698.

ClinVar aggregate classification (germline): Pathogenic (1 of 4 stars; one submission).

Conditions:
Schimke immuno-osseous dysplasia (SIOD). Also called: Schimke Immunoosseous Dysplasia. Identifiers: Orphanet 1830, MedGen C0877024, MONDO:0009458, OMIM 242900.

Submission:

Labcorp Genetics (formerly Invitae), Labcorp
Classification: Pathogenic for Schimke immuno-osseous dysplasia. Last evaluated: 2018-12-10. Review status: criteria provided, single submitter. Criteria: Invitae Variant Classification Sherloc (09022015). Collection method: clinical testing. Allele origin: germline.
Comment: For these reasons, this variant has been classified as Pathogenic. Loss-of-function variants in SMARCAL1 are known to be pathogenic (PMID: 11799392, 20301550). This variant has not been reported in the literature in individuals with SMARCAL1-related conditions. This variant is not present in population databases (ExAC no frequency). This sequence change creates a premature translational stop signal (p.His90Glnfs*25) in the SMARCAL1 gene. It is expected to result in an absent or disrupted protein product.

Literature cited by the submitters: PubMed 11799392; PubMed 20301550.